The following is an entry in ClinVar:

ClinVar aggregate classification (germline): Uncertain significance (1 of 4 stars; one submission).

Conditions:
Hereditary cancer-predisposing syndrome. Also called: Neoplastic Syndromes, Hereditary; Tumor predisposition; Hereditary neoplastic syndrome; Hereditary Cancer Syndrome. Identifiers: Orphanet 140162, MedGen C0027672, MeSH D009386, MONDO:0015356.

Submission:

Ambry Genetics
Classification: Uncertain significance for Hereditary cancer-predisposing syndrome. Last evaluated: 2024-01-03. Review status: criteria provided, single submitter. Criteria: Ambry Variant Classification Scheme 2023. Collection method: clinical testing. Allele origin: germline.
Comment: The p.C335G variant (also known as c.1003T>G), located in coding exon 6 of the FLCN gene, results from a T to G substitution at nucleotide position 1003. The cysteine at codon 335 is replaced by glycine, an amino acid with highly dissimilar properties. This amino acid position is conserved. In addition, this alteration is predicted to be tolerated by in silico analysis. Since supporting evidence is limited at this time, the clinical significance of this alteration remains unclear.

NM_144997.7(FLCN):c.1003T>G (p.Cys335Gly)

Gene: FLCN (folliculin; minus strand). Cytogenetic location: 17p11.2.
Variant type: single nucleotide variant.
Coding change: c.1003T>G on transcript NM_144997.7 (MANE Select); coding-DNA position 1003, T replaced by G.
Protein change: p.Cys335Gly; replaces cysteine 335 with glycine.
Molecular consequence: missense variant.
Genome position (GRCh38, 1-based): chr17:17,219,078, A>C on the plus strand (T>G on the coding strand, the complement: FLCN is on the minus strand). VCF-style: chr17-17219078-A-C. GRCh37 (hg19) VCF-style: chr17-17122392-A-C.
Other names: c.1057T>G, p.Cys353Gly (NM_001353229.2); c.1003T>G, p.Cys335Gly (NM_001353230.2, NM_001353231.2); short protein forms C335G, C353G.
Identifiers: ClinVar variation 3229221 (VCV003229221.1), dbSNP rs2047009775, ClinGen allele CA398532810.